The following is an entry in ClinVar:

ClinVar aggregate classification (germline): Uncertain significance (1 of 4 stars; one submission).

Conditions:
ASIP-related condition.

gnomAD v4.1: 3 of 1,614,060 alleles (0.00019%); highest among the groups gnomAD compares: Non-Finnish European, 0.00025%; no homozygotes.

Submission:

PreventionGenetics, part of Exact Sciences
Classification: Uncertain significance for ASIP-related condition. Last evaluated: 2025-04-15. Review status: criteria provided, single submitter. Criteria: ACMG Guidelines, 2015. Collection method: clinical testing. Allele origin: germline.
Comment: The ASIP c.184A>T variant is predicted to result in the amino acid substitution p.Ile62Phe. To our knowledge, this variant has not been reported in the literature. This variant is reported in 0.00088% of alleles in individuals of European (Non-Finnish) descent in gnomAD. At this time, the clinical significance of this variant is uncertain due to the absence of conclusive functional and genetic evidence.

NM_001672.3(ASIP):c.184A>T (p.Ile62Phe)

Genes: AHCY (adenosylhomocysteinase; minus strand), ASIP (agouti signaling protein; plus strand). Cytogenetic location: 20q11.22.
Variant type: single nucleotide variant.
Coding change: c.184A>T on transcript NM_001672.3 (MANE Select); coding-DNA position 184, A replaced by T.
Protein change: p.Ile62Phe; replaces isoleucine 62 with phenylalanine.
Molecular consequence: missense variant.
Genome position (GRCh38, 1-based): chr20:34,262,855, A>T. VCF-style: chr20-34262855-A-T. GRCh37 (hg19) VCF-style: chr20-32850661-A-T.
Other names: c.184A>T, p.Ile62Phe (NM_001385218.1); short protein forms I62F.
Identifiers: ClinVar variation 4979144 (VCV004979144.1).